The following is an entry in ClinVar:

NM_001170700.3(DTHD1):c.1315G>A (p.Ala439Thr)

Gene: DTHD1 (death domain containing 1; plus strand). Cytogenetic location: 4p14.
Variant type: single nucleotide variant.
Coding change: c.1315G>A on transcript NM_001170700.3 (MANE Select); coding-DNA position 1315, G replaced by A.
Protein change: p.Ala439Thr; replaces alanine 439 with threonine.
Molecular consequence: missense variant. On other transcripts: non-coding transcript variant (2).
Genome position (GRCh38, 1-based): chr4:36,293,622, G>A. VCF-style: chr4-36293622-G-A. GRCh37 (hg19) VCF-style: chr4-36295244-G-A.
Other names: c.445G>A, p.Ala149Thr (NM_001136536.5); c.382G>A, p.Ala128Thr (NM_001378435.1); short protein forms A128T, A149T, A439T.
Identifiers: ClinVar variation 1001528 (VCV001001528.8), dbSNP rs1199013078, ClinGen allele CA356679530.
Genomic context (GRCh38, chr4:36,293,622, plus strand): 5'-ATCTTTTCTGTTGTGTCTTGTTTAAAGAAAGAGTCGTTCACAGTAACAAAGAAAGGCCTC[G>A]CTCTTAAGTCAAGCATGGATTCCCGAATATCCTTAAATTACCCTCCAGGAGTTTTTACCT-3'
Protein context (NP_001164171.2, residues 429-449): ESFTVTKKGL[Ala439Thr]LKSSMDSRIS

ClinVar aggregate classification (germline): Uncertain significance (1 of 4 stars; one submission).

Allele frequency attached by ClinVar (database versions not stated): gnomAD exomes 0.00001 and 0.00002; TOPMed 0.00003; gnomAD 0.00006 and 0.00007.
gnomAD v4.1: 47 of 1,548,956 alleles (0.003%); highest among the groups gnomAD compares: East Asian, 0.0098%; no homozygotes.

Submission:

Labcorp Genetics (formerly Invitae), Labcorp
Classification: Uncertain significance. Last evaluated: 2025-11-06. Review status: criteria provided, single submitter. Criteria: Invitae Variant Classification Sherloc (09022015). Collection method: clinical testing. Allele origin: germline.
Comment: This sequence change replaces alanine, which is neutral and non-polar, with threonine, which is neutral and polar, at codon 149 of the DTHD1 protein (p.Ala149Thr). This variant is present in population databases (no rsID available, gnomAD 0.004%). This variant has not been reported in the literature in individuals affected with DTHD1-related conditions. ClinVar contains an entry for this variant (Variation ID: 1001528). An algorithm developed to predict the effect of missense changes on protein structure and function outputs the following: PolyPhen-2: "Benign". The threonine amino acid residue is found in multiple mammalian species, which suggests that this missense change does not adversely affect protein function. In summary, the available evidence is currently insufficient to determine the role of this variant in disease. Therefore, it has been classified as a Variant of Uncertain Significance.